The following is an entry in ClinVar:

ClinVar aggregate classification (germline): Uncertain significance (1 of 4 stars; one submission).

Submission:

GeneDx
Classification: Uncertain significance. Last evaluated: 2022-04-12. Review status: criteria provided, single submitter. Criteria: GeneDx Variant Classification Process June 2021. Collection method: clinical testing. Allele origin: germline. Affected: yes.
Comment: Not observed at significant frequency in large population cohorts (gnomAD); In silico analysis supports that this missense variant has a deleterious effect on protein structure/function; Has not been previously published as pathogenic or benign to our knowledge

NM_001134673.4(NFIA):c.851A>G (p.Glu284Gly)

Gene: NFIA (nuclear factor I A; plus strand). Cytogenetic location: 1p31.3.
Variant type: single nucleotide variant.
Coding change: c.851A>G on transcript NM_001134673.4 (MANE Select); coding-DNA position 851, A replaced by G.
Protein change: p.Glu284Gly; replaces glutamic acid 284 with glycine.
Molecular consequence: missense variant.
Genome position (GRCh38, 1-based): chr1:61,359,179, A>G. VCF-style: chr1-61359179-A-G. GRCh37 (hg19) VCF-style: chr1-61824851-A-G.
Other names: c.827A>G, p.Glu276Gly (NM_001145511.2); c.986A>G, p.Glu329Gly (NM_001145512.2); c.851A>G, p.Glu284Gly (NM_005595.5); short protein forms E276G, E284G, E329G.
Identifiers: ClinVar variation 1710626 (VCV001710626.2), dbSNP rs2525136994, ClinGen allele CA340588072.
Genomic context (GRCh38, chr1:61,359,179, plus strand): 5'-TTAAACATGCACCCATTTGTTATTTCAGCTCCACAAAGCGCCTCAAGTCTGTGGAGGATG[A>G]AATGGACAGTCCTGGTGAGGAGCCATTTTATACAGGCCAAGGGCGCTCCCCAGGAAGTGG-3'
Protein context (NP_001128145.1, residues 274-294): STKRLKSVED[Glu284Gly]MDSPGEEPFY